The following is an entry in ClinVar:

NM_014494.4(TNRC6A):c.5261T>C (p.Ile1754Thr)

Gene: TNRC6A (trinucleotide repeat containing adaptor 6A; plus strand). Cytogenetic location: 16p12.1.
Variant type: single nucleotide variant.
Coding change: c.5261T>C on transcript NM_014494.4 (MANE Select); coding-DNA position 5261, T replaced by C.
Protein change: p.Ile1754Thr; replaces isoleucine 1754 with threonine.
Molecular consequence: missense variant.
Genome position (GRCh38, 1-based): chr16:24,820,319, T>C. VCF-style: chr16-24820319-T-C. GRCh37 (hg19) VCF-style: chr16-24831640-T-C.
Other names: c.5114T>C, p.Ile1705Thr (NM_001330520.3); c.5141T>C, p.Ile1714Thr (NM_001351850.2); short protein forms I1705T, I1714T, I1754T.
Identifiers: ClinVar variation 1049272 (VCV001049272.1), dbSNP rs1385366986, ClinGen allele CA395177923.

ClinVar aggregate classification (germline): Uncertain significance (0 of 4 stars; one submission).

Allele frequency attached by ClinVar (database versions not stated): gnomAD exomes below 0.00001.
gnomAD v4.1: 1 of 1,614,154 alleles (0.000062%); highest among the groups gnomAD compares: South Asian, 0.0011%; no homozygotes.

Submission:

Department of Pathology and Laboratory Medicine, Sinai Health System
Classification: Uncertain significance. Review status: no assertion criteria provided. Collection method: clinical testing. Allele origin: unknown. Affected: yes. Study: The Canadian Open Genetics Repository (COGR).
Comment: The TNRC6A p.Ile1754Thr variant was not identified in the literature nor was it identified in dbSNP, ClinVar, LOVD 3.0 or in the following control databases: the 1000 Genomes Project, the NHLBI GO Exome Sequencing Project, the Exome Aggregation Consortium (August 8th 2016), or the Genome Aggregation Database (March 6, 2019, v2.1.1). The p.Ile1754 residue is not conserved in mammals and computational analyses (PolyPhen-2, SIFT, AlignGVGD, BLOSUM, MutationTaster) provide inconsistent predictions regarding the impact to the protein; this information is not very predictive of pathogenicity. The variant occurs outside of the splicing consensus sequence and three of four in silico or computational prediction software programs (SpliceSiteFinder, MaxEntScan, NNSPLICE, GeneSplicer) do not predict a greater than 10% difference in splicing; this is not very predictive of pathogenicity. In summary, based on the above information the clinical significance of this variant cannot be determined with certainty at this time. This variant is classified as a variant of uncertain significance.